The following is an entry in ClinVar:

ClinVar aggregate classification (germline): Uncertain significance. Review status: criteria provided, multiple submitters, no conflicts (2 of 4 stars). 2 submissions from 2 submitters: Uncertain significance (2). Last evaluated 2025-08-05.

Conditions:
Hereditary spastic paraplegia 4. Also called: Familial spastic paraplegia autosomal dominant 2; Spastic paraplegia 4, autosomal dominant; Spastic Paraplegia 4. Identifiers: Orphanet 100985, MedGen C1866855, MONDO:0008438, OMIM 182601.

Submissions (2):

GeneDx
Classification: Uncertain significance. Last evaluated: 2025-08-05. Review status: criteria provided, single submitter. Criteria: GeneDx Variant Classification Process June 2021. Collection method: clinical testing. Allele origin: germline. Affected: yes.
Comment: Not observed at significant frequency in large population cohorts (gnomAD); In silico analysis suggests that this missense variant does not alter protein structure/function; Has not been previously published as pathogenic or benign to our knowledge; This variant is associated with the following publications: (PMID: 21139634, 26094131)

Labcorp Genetics (formerly Invitae), Labcorp
Classification: Uncertain significance for Hereditary spastic paraplegia 4. Last evaluated: 2022-09-07. Review status: criteria provided, single submitter. Criteria: Invitae Variant Classification Sherloc (09022015). Collection method: clinical testing. Allele origin: germline.
Comment: This variant has not been reported in the literature in individuals affected with SPAST-related conditions. In summary, the available evidence is currently insufficient to determine the role of this variant in disease. Therefore, it has been classified as a Variant of Uncertain Significance. Advanced modeling of protein sequence and biophysical properties (such as structural, functional, and spatial information, amino acid conservation, physicochemical variation, residue mobility, and thermodynamic stability) performed at Invitae indicates that this missense variant is not expected to disrupt SPAST protein function. ClinVar contains an entry for this variant (Variation ID: 581627). This variant is not present in population databases (gnomAD no frequency). This sequence change replaces leucine, which is neutral and non-polar, with valine, which is neutral and non-polar, at codon 78 of the SPAST protein (p.Leu78Val).

NM_014946.4(SPAST):c.232C>G (p.Leu78Val)

Gene: SPAST (spastin; plus strand). Cytogenetic location: 2p22.3.
Variant type: single nucleotide variant.
Coding change: c.232C>G on transcript NM_014946.4 (MANE Select); coding-DNA position 232, C replaced by G.
Protein change: p.Leu78Val; replaces leucine 78 with valine.
Molecular consequence: missense variant.
Genome position (GRCh38, 1-based): chr2:32,064,063, C>G. VCF-style: chr2-32064063-C-G. GRCh37 (hg19) VCF-style: chr2-32289132-C-G.
Other names: c.232C>G, p.Leu78Val (NM_001363823.2, NM_001363875.2, NM_001377959.1 and 1 more transcripts); short protein forms L78V.
Identifiers: ClinVar variation 581627 (VCV000581627.8), dbSNP rs1558605868, ClinGen allele CA346601824.